The following is an entry in ClinVar:

ClinVar aggregate classification (germline): Conflicting classifications of pathogenicity. Review status: criteria provided, conflicting classifications (1 of 4 stars). 3 submissions from 3 submitters: Uncertain significance (1); Likely benign (2). Last evaluated 2026-01-06.

Conditions:
Cardiovascular phenotype. Identifiers: MedGen CN230736.
Myofibrillar myopathy 4. Also called: Zaspopathy (type). Identifiers: Orphanet 98912, MedGen C4721886, MONDO:0012277, OMIM 609452.

Allele frequency attached by ClinVar (database versions not stated): gnomAD exomes 0.00001 and 0.00005; ESP Exome Variant Server 0.00015; gnomAD 0.00048 and 0.00051.
gnomAD v4.1: 30 of 894,838 alleles (0.0034%); highest among the groups gnomAD compares: African/African-American, 0.089%; no homozygotes.

Submissions (3):

Labcorp Genetics (formerly Invitae), Labcorp
Classification: Uncertain significance for Myofibrillar myopathy 4. Last evaluated: 2026-01-06. Review status: criteria provided, single submitter. Criteria: Invitae Variant Classification Sherloc (09022015). Collection method: clinical testing. Allele origin: germline.
Comment: The LDB3 gene has multiple clinically relevant transcripts. This variant occurs in alternate transcript NM_007078.3, and corresponds to NM_001080116.1:c.*17033A>G in the primary transcript. This sequence change replaces threonine, which is neutral and polar, with alanine, which is neutral and non-polar, at codon 438 of the LDB3 protein (p.Thr438Ala). The frequency data for this variant in the population databases is considered unreliable, as metrics indicate poor data quality at this position in the gnomAD database. This variant has not been reported in the literature in individuals affected with LDB3-related conditions. Experimental studies and prediction algorithms are not available or were not evaluated, and the functional significance of this variant is currently unknown. In summary, the available evidence is currently insufficient to determine the role of this variant in disease. Therefore, it has been classified as a Variant of Uncertain Significance.

Ambry Genetics
Classification: Likely benign for Cardiovascular phenotype. Last evaluated: 2025-05-08. Review status: criteria provided, single submitter. Criteria: Ambry Variant Classification Scheme 2023. Collection method: clinical testing. Allele origin: germline.

GeneDx
Classification: Likely benign. Last evaluated: 2022-05-27. Review status: criteria provided, single submitter. Criteria: GeneDx Variant Classification Process June 2021. Collection method: clinical testing. Allele origin: germline. Affected: yes.
Comment: See Variant Classification Assertion Criteria.

NM_007078.3(LDB3):c.1312A>G (p.Thr438Ala)

Gene: LDB3 (LIM domain binding 3; plus strand). Cytogenetic location: 10q23.2.
Variant type: single nucleotide variant.
Coding change: c.1312A>G on transcript NM_007078.3 (MANE Select); coding-DNA position 1312, A replaced by G.
Protein change: p.Thr438Ala; replaces threonine 438 with alanine.
Molecular consequence: missense variant.
Genome position (GRCh38, 1-based): chr10:86,716,407, A>G. VCF-style: chr10-86716407-A-G. GRCh37 (hg19) VCF-style: chr10-88476164-A-G.
Other names: c.1312A>G (LRG_385t1); c.982A>G, p.Thr328Ala (NM_001080114.2); c.1327A>G, p.Thr443Ala (NM_001171610.2); c.1123A>G, p.Thr375Ala (NM_001368064.1, NM_001368065.1); c.1171A>G, p.Thr391Ala (NM_001368066.1); short protein forms T438A, T375A, T328A, T391A, T443A.
Identifiers: ClinVar variation 568889 (VCV000568889.19), dbSNP rs111941389, ClinGen allele CA5585128.